The following is an entry in ClinVar:

ClinVar aggregate classification (germline): Uncertain significance (1 of 4 stars; one submission).

Submission:

Ambry Genetics
Classification: Uncertain significance. Last evaluated: 2026-07-29. Review status: criteria provided, single submitter. Criteria: Ambry Variant Classification Scheme 2023. Collection method: clinical testing. Allele origin: germline.
Comment: The p.Q225R variant (also known as c.674A>G), located in coding exon 6 of the RAD51B gene, results from an A to G substitution at nucleotide position 674. The glutamine at codon 225 is replaced by arginine, an amino acid with highly similar properties. This amino acid position is conserved. In addition, this alteration is predicted to be tolerated by in silico analysis. Based on the available evidence, the clinical significance of this variant remains unclear.

NM_133510.4(RAD51B):c.674A>G (p.Gln225Arg)

Gene: RAD51B (RAD51 paralog B; plus strand). Cytogenetic location: 14q24.1.
Variant type: single nucleotide variant.
Coding change: c.674A>G on transcript NM_133510.4 (MANE Select); coding-DNA position 674, A replaced by G.
Protein change: p.Gln225Arg; replaces glutamine 225 with arginine.
Molecular consequence: missense variant.
Genome position (GRCh38, 1-based): chr14:67,887,122, A>G. VCF-style: chr14-67887122-A-G. GRCh37 (hg19) VCF-style: chr14-68353839-A-G.
Other names: c.674A>G, p.Gln225Arg (NM_001321809.2, NM_001321810.2, NM_001321812.1 and 6 more transcripts); c.560A>G, p.Gln187Arg (NM_001321815.1); c.317A>G, p.Gln106Arg (NM_001321817.2); short protein forms Q106R, Q187R, Q225R.
Identifiers: ClinVar variation 5027782 (VCV005027782.1).